The following is an entry in ClinVar:

NM_005359.6(SMAD4):c.1124C>T (p.Ala375Val)

Gene: SMAD4 (SMAD family member 4; plus strand). Cytogenetic location: 18q21.2.
Variant type: single nucleotide variant.
Coding change: c.1124C>T on transcript NM_005359.6 (MANE Select); coding-DNA position 1124, C replaced by T.
Protein change: p.Ala375Val; replaces alanine 375 with valine.
Molecular consequence: missense variant.
Genome position (GRCh38, 1-based): chr18:51,065,591, C>T. VCF-style: chr18-51065591-C-T. GRCh37 (hg19) VCF-style: chr18-48591961-C-T.
Other names: short protein forms A375V.
Identifiers: ClinVar variation 492458 (VCV000492458.25), dbSNP rs1555686499, ClinGen allele CA402464563.

ClinVar aggregate classification (germline): Conflicting classifications of pathogenicity. Review status: criteria provided, conflicting classifications (1 of 4 stars). 9 submissions from 7 submitters: Uncertain significance (8); Likely benign (1). Last evaluated 2025-11-17.

Conditions:
Hereditary cancer-predisposing syndrome. Also called: Hereditary neoplastic syndrome; Tumor predisposition; Neoplastic Syndromes, Hereditary; Hereditary Cancer Syndrome. Identifiers: Orphanet 140162, MedGen C0027672, MeSH D009386, MONDO:0015356.
Familial thoracic aortic aneurysm and aortic dissection (TAAD). Also called: Thoracic aortic aneurysms and dissections. Identifiers: Orphanet 91387, MedGen C4707243, MONDO:0019625.
Juvenile polyposis syndrome (JPS). Identifiers: Orphanet 2929, MedGen C0345893, MONDO:0017380, OMIM 174900.
Myhre syndrome (MYHRS). Also called: LARYNGOTRACHEAL STENOSIS, ARTHROPATHY, PROGNATHISM, AND SHORT STATURE; LAPS SYNDROME. Identifiers: Orphanet 2588, MedGen C0796081, MONDO:0007688, OMIM 139210.
Generalized juvenile polyposis/juvenile polyposis coli. Also called: Juvenile polyposis coli. Identifiers: Orphanet 329971, MedGen C1868081, MONDO:0008276.
Juvenile polyposis/hereditary hemorrhagic telangiectasia syndrome (JPHT). Also called: Juvenile Polyposis Syndrome / Hereditary Hemorrhagic Telangiectasia (JPS/HHT); JP/HHT SYNDROME; JUVENILE POLYPOSIS WITH HEREDITARY HEMORRHAGIC TELANGIECTASIA; POLYPOSIS, GENERALIZED JUVENILE, WITH PULMONARY ARTERIOVENOUS MALFORMATION; TELANGIECTASIA, HEREDITARY HEMORRHAGIC, WITH JUVENILE POLYPOSIS COLI. Identifiers: Orphanet 2929, MedGen C1832942, MONDO:0008278, OMIM 175050.

Allele frequency attached by ClinVar (database versions not stated): gnomAD 0.00001.
gnomAD v4.1: 1 of 1,613,854 alleles (0.000062%); highest among the groups gnomAD compares: Non-Finnish European, 0.000085%; no homozygotes.

Submissions (9):

Labcorp Genetics (formerly Invitae), Labcorp
Classification: Likely benign for Juvenile polyposis syndrome. Last evaluated: 2025-11-17. Review status: criteria provided, single submitter. Criteria: Invitae Variant Classification Sherloc (09022015). Collection method: clinical testing. Allele origin: germline.

Color Diagnostics, LLC DBA Color Health
Classification: Uncertain significance for Hereditary cancer-predisposing syndrome. Last evaluated: 2025-06-13. Review status: criteria provided, single submitter. Criteria: ACMG Guidelines, 2015. Collection method: clinical testing. Allele origin: germline.
Comment: This missense variant replaces alanine with valine at codon 375 of the SMAD4 protein. Computational prediction is inconclusive regarding the impact of this variant on protein structure and function. To our knowledge, functional studies have not been reported for this variant. This variant has not been reported in individuals affected with SMAD4-related disorders in the literature. This variant has not been identified in the general population by the Genome Aggregation Database (gnomAD). The available evidence is insufficient to determine the role of this variant in disease conclusively. Therefore, this variant is classified as a Variant of Uncertain Significance.

Ambry Genetics
Classification: Uncertain significance for Hereditary cancer-predisposing syndrome; Familial thoracic aortic aneurysm and aortic dissection. Last evaluated: 2024-07-15. Review status: criteria provided, single submitter. Criteria: Ambry Variant Classification Scheme 2023. Collection method: clinical testing. Allele origin: germline.
Comment: The p.A375V variant (also known as c.1124C>T), located in coding exon 8 of the SMAD4 gene, results from a C to T substitution at nucleotide position 1124. The alanine at codon 375 is replaced by valine, an amino acid with similar properties. This amino acid position is highly conserved in available vertebrate species. In addition, this alteration is predicted to be deleterious by in silico analysis. Based on the available evidence, the clinical significance of this variant remains unclear.

ARUP Laboratories, Molecular Genetics and Genomics, ARUP Laboratories
Classification: Uncertain significance. Last evaluated: 2024-02-02. Review status: criteria provided, single submitter. Criteria: ARUP Molecular Germline Variant Investigation Process 2024. Collection method: clinical testing. Allele origin: germline.
Comment: The SMAD4 c.1124C>T; p.Ala375Val variant (rs1555686499), to our knowledge, is not reported in the medical literature but is reported in ClinVar (Variation ID: 492458). This variant is absent from the Genome Aggregation Database (v2.1.1), indicating it is not a common polymorphism. Computational analyses are uncertain whether this variant is neutral or deleterious (REVEL: 0.7). Due to limited information, the clinical significance of this variant is uncertain at this time.

All of Us Research Program, National Institutes of Health
Classification: Uncertain significance for Juvenile polyposis/hereditary hemorrhagic telangiectasia syndrome. Last evaluated: 2023-11-28. Review status: criteria provided, single submitter. Criteria: ACMG Guidelines, 2015. Collection method: clinical testing. Allele origin: germline. Inheritance: Autosomal dominant inheritance. Observed: 1 variant allele, 1 heterozygote.
Comment: This missense variant replaces alanine with valine at codon 375 of the SMAD4 protein. Computational prediction is inconclusive regarding the impact of this variant on protein structure and function (internally defined REVEL score threshold 0.5 < inconclusive < 0.7, PMID: 27666373). To our knowledge, functional studies have not been reported for this variant. This variant has not been reported in individuals affected with hereditary cancer in the literature. This variant has not been identified in the general population by the Genome Aggregation Database (gnomAD). The available evidence is insufficient to determine the role of this variant in disease conclusively. Therefore, this variant is classified as a Variant of Uncertain Significance.

This study involves interpretation of variants in research participants for the purpose of population health screening. Participant phenotype was not available at the time of variant classification. Additional details can be found in publication PMID: 35346344, PMCID: PMC8962531

GeneDx
Classification: Uncertain significance. Last evaluated: 2022-11-15. Review status: criteria provided, single submitter. Criteria: GeneDx Variant Classification Process June 2021. Collection method: clinical testing. Allele origin: germline. Affected: yes.
Comment: Not observed at significant frequency in large population cohorts (gnomAD); In silico analysis supports that this missense variant does not alter protein structure/function; Has not been previously published as pathogenic or benign to our knowledge; This variant is associated with the following publications: (PMID: 17873119, 18823382, 15235019)

Illumina Laboratory Services, Illumina
Classification: Uncertain significance for Myhre syndrome. Last evaluated: 2018-01-13. Review status: criteria provided, single submitter. Criteria: ICSL Variant Classification Criteria 13 December 2019. Collection method: clinical testing. Allele origin: germline.

Illumina Laboratory Services, Illumina
Classification: Uncertain significance for Juvenile polyposis/hereditary hemorrhagic telangiectasia syndrome. Last evaluated: 2018-01-13. Review status: criteria provided, single submitter. Criteria: ICSL Variant Classification Criteria 13 December 2019. Collection method: clinical testing. Allele origin: germline.

Illumina Laboratory Services, Illumina
Classification: Uncertain significance for Juvenile polyposis syndrome. Last evaluated: 2018-01-13. Review status: criteria provided, single submitter. Criteria: ICSL Variant Classification Criteria 13 December 2019. Collection method: clinical testing. Allele origin: germline.